The following is an entry in ClinVar:

ClinVar aggregate classification (germline): Uncertain significance. Review status: criteria provided, multiple submitters, no conflicts (2 of 4 stars). 3 submissions from 3 submitters: Uncertain significance (2). 1 of the submissions does not count toward it. Last evaluated 2024-01-04.

Conditions:
MHC class II deficiency. Also called: BLS, TYPE II; Bare lymphocyte syndrome 2. Identifiers: Orphanet 572, MedGen C5447452, MONDO:0008855.

Allele frequency attached by ClinVar (database versions not stated): gnomAD 0.00006 and 0.00007; TOPMed 0.00006; ESP Exome Variant Server 0.00008; ExAC 0.00010; gnomAD exomes 0.00011.

Submissions (3):

Blueprint Genetics
Classification: Uncertain significance. Last evaluated: 2024-01-04. Review status: criteria provided, single submitter. Criteria: ACMG Guidelines, 2015. Collection method: clinical testing. Allele origin: germline.

Labcorp Genetics (formerly Invitae), Labcorp
Classification: Uncertain significance for MHC class II deficiency. Last evaluated: 2022-11-01. Review status: criteria provided, single submitter. Criteria: Invitae Variant Classification Sherloc (09022015). Collection method: clinical testing. Allele origin: germline.
Comment: This sequence change replaces arginine, which is basic and polar, with glutamine, which is neutral and polar, at codon 548 of the CIITA protein (p.Arg548Gln). This variant is present in population databases (rs376916824, gnomAD 0.02%). This variant has not been reported in the literature in individuals affected with CIITA-related conditions. ClinVar contains an entry for this variant (Variation ID: 663834). Algorithms developed to predict the effect of missense changes on protein structure and function output the following: SIFT: "Deleterious"; PolyPhen-2: "Possibly Damaging"; Align-GVGD: "Class C35". The glutamine amino acid residue is found in multiple mammalian species, which suggests that this missense change does not adversely affect protein function. In summary, the available evidence is currently insufficient to determine the role of this variant in disease. Therefore, it has been classified as a Variant of Uncertain Significance.

Natera, Inc.
Classification: Uncertain significance for Bare lymphocyte syndrome type II. Last evaluated: 2019-11-11. Review status: no assertion criteria provided. Collection method: clinical testing. Allele origin: germline. Not counted in ClinVar's aggregate classification.

NM_000246.4(CIITA):c.1643G>A (p.Arg548Gln)

Gene: CIITA (class II major histocompatibility complex transactivator; plus strand). Cytogenetic location: 16p13.13.
Variant type: single nucleotide variant.
Coding change: c.1643G>A on transcript NM_000246.4 (MANE Select); coding-DNA position 1643, G replaced by A.
Protein change: p.Arg548Gln; replaces arginine 548 with glutamine.
Molecular consequence: missense variant. On other transcripts: intron variant (1).
Genome position (GRCh38, 1-based): chr16:10,907,135, G>A. VCF-style: chr16-10907135-G-A. GRCh37 (hg19) VCF-style: chr16-11000992-G-A.
Other names: c.1646G>A, p.Arg549Gln (NM_001286402.1, NM_001379332.1); c.1499G>A, p.Arg500Gln (NM_001379330.1); c.1496G>A, p.Arg499Gln (NM_001379331.1); c.1643G>A, p.Arg548Gln (NM_001379333.1); c.1574G>A, p.Arg525Gln (NM_001379334.1); c.860-1848G>A (NM_001286403.2); short protein forms R548Q, R549Q, R499Q, R500Q, R525Q.
Identifiers: ClinVar variation 663834 (VCV000663834.8), dbSNP rs376916824, ClinGen allele CA7900190.
Genomic context (GRCh38, chr16:10,907,135, plus strand): 5'-TGCTGGCCGGCCTTTTCCAGAAGAAGCTGCTCCGAGGTTGCACCCTCCTCCTCACAGCCC[G>A]GCCCCGGGGCCGCCTGGTCCAGAGCCTGAGCAAGGCCGACGCCCTATTTGAGCTGTCCGG-3'
Protein context (NP_000237.2, residues 538-558): LRGCTLLLTA[Arg548Gln]PRGRLVQSLS